The following is an entry in ClinVar:

ClinVar aggregate classification (germline): Likely pathogenic (1 of 4 stars; one submission).

Conditions:
Primary ciliary dyskinesia. Also called: Ciliary dyskinesia. Identifiers: Orphanet 244, MedGen C0008780, MONDO:0016575, HP:0012265.

Submission:

Labcorp Genetics (formerly Invitae), Labcorp
Classification: Likely pathogenic for Primary ciliary dyskinesia. Last evaluated: 2022-03-02. Review status: criteria provided, single submitter. Criteria: Invitae Variant Classification Sherloc (09022015). Collection method: clinical testing. Allele origin: germline.
Comment: This sequence change falls in intron 7 of the CCDC40 gene. It does not directly change the encoded amino acid sequence of the CCDC40 protein. It affects a nucleotide within the consensus splice site. This variant is not present in population databases (gnomAD no frequency). This variant has been observed in individual(s) with primary ciliary dyskinesia (Invitae). Variants that disrupt the consensus splice site are a relatively common cause of aberrant splicing (PMID: 17576681, 9536098). Algorithms developed to predict the effect of sequence changes on RNA splicing suggest that this variant may disrupt the consensus splice site. In summary, the currently available evidence indicates that the variant is pathogenic, but additional data are needed to prove that conclusively. Therefore, this variant has been classified as Likely Pathogenic.

Literature cited by the submitters: PubMed 17576681; PubMed 9536098.

NM_017950.4(CCDC40):c.1159+3A>T

Gene: CCDC40 (coiled-coil domain 40 molecular ruler complex subunit; plus strand). Cytogenetic location: 17q25.3.
Variant type: single nucleotide variant.
Coding change: c.1159+3A>T on transcript NM_017950.4 (MANE Select); 3 bases into the intron after coding-DNA position 1159, A replaced by T.
Molecular consequence: intron variant.
Genome position (GRCh38, 1-based): chr17:80,050,286, A>T. VCF-style: chr17-80050286-A-T. GRCh37 (hg19) VCF-style: chr17-78024085-A-T.
Other names: c.1159+3A>T (NM_001243342.2, NM_001330508.2).
Identifiers: ClinVar variation 1496611 (VCV001496611.6), dbSNP rs1185054167, ClinGen allele CA628017835.